The following is an entry in ClinVar:

NM_032119.4(ADGRV1):c.10018G>A (p.Val3340Met)

Gene: ADGRV1 (adhesion G protein-coupled receptor V1; plus strand). Cytogenetic location: 5q14.3.
Variant type: single nucleotide variant.
Coding change: c.10018G>A on transcript NM_032119.4 (MANE Select); coding-DNA position 10018, G replaced by A.
Protein change: p.Val3340Met; replaces valine 3340 with methionine.
Molecular consequence: missense variant. On other transcripts: non-coding transcript variant (1).
Genome position (GRCh38, 1-based): chr5:90,725,197, G>A. VCF-style: chr5-90725197-G-A. GRCh37 (hg19) VCF-style: chr5-90021014-G-A.
Other names: short protein forms V3340M.
Identifiers: ClinVar variation 4776499 (VCV004776499.1).
Genomic context (GRCh38, chr5:90,725,197, plus strand): 5'-TCTCCCTACTTTGTGATTACTCATGAAGAAAGAAATGAAGAAAAGCCTTCTCTTAACAGT[G>A]TGTTTACATTCACATCTGGATTTAAATTATTCCTGGTAAAAACATTTTCATTTTTAAATA-3'
Protein context (NP_115495.3, residues 3330-3350): RNEEKPSLNS[Val3340Met]FTFTSGFKLF

ClinVar aggregate classification (germline): Uncertain significance (1 of 4 stars; one submission).

gnomAD v4.1: 18 of 1,524,676 alleles (0.0012%); highest among the groups gnomAD compares: South Asian, 0.02%; no homozygotes.

Submission:

Labcorp Genetics (formerly Invitae), Labcorp
Classification: Uncertain significance. Last evaluated: 2025-04-17. Review status: criteria provided, single submitter. Criteria: Invitae Variant Classification Sherloc (09022015). Collection method: clinical testing. Allele origin: germline.
Comment: This sequence change replaces valine, which is neutral and non-polar, with methionine, which is neutral and non-polar, at codon 3340 of the ADGRV1 protein (p.Val3340Met). This variant is present in population databases (rs756649604, gnomAD 0.01%). This variant has not been reported in the literature in individuals affected with ADGRV1-related conditions. Invitae Evidence Modeling of protein sequence and biophysical properties (such as structural, functional, and spatial information, amino acid conservation, physicochemical variation, residue mobility, and thermodynamic stability) indicates that this missense variant is not expected to disrupt ADGRV1 protein function with a negative predictive value of 95%. Algorithms developed to predict the effect of sequence changes on RNA splicing suggest that this variant may disrupt the consensus splice site. This variant disrupts the p.Val3340 amino acid residue in ADGRV1. Other variant(s) that disrupt this residue have been determined to be pathogenic (PMID: 25572244). This suggests that this residue is clinically significant, and that variants that disrupt this residue are likely to be disease-causing. In summary, the available evidence is currently insufficient to determine the role of this variant in disease. Therefore, it has been classified as a Variant of Uncertain Significance.

Literature cited by the submitters: PubMed 25572244.